The following is an entry in ClinVar:

NM_014806.5(RUSC2):c.2414C>A (p.Pro805Gln)

Gene: RUSC2 (RUN and SH3 domain containing 2; plus strand). Cytogenetic location: 9p13.3.
Variant type: single nucleotide variant.
Coding change: c.2414C>A on transcript NM_014806.5 (MANE Select); coding-DNA position 2414, C replaced by A.
Protein change: p.Pro805Gln; replaces proline 805 with glutamine.
Molecular consequence: missense variant. On other transcripts: 5 prime UTR variant (1), non-coding transcript variant (1).
Genome position (GRCh38, 1-based): chr9:35,555,459, C>A. VCF-style: chr9-35555459-C-A. GRCh37 (hg19) VCF-style: chr9-35555456-C-A.
Other names: c.2414C>A, p.Pro805Gln (NM_001135999.2); c.-221C>A (NM_001330740.2); short protein forms P805Q.
Identifiers: ClinVar variation 1362123 (VCV001362123.8), dbSNP rs1466010960, ClinGen allele CA373341555.

ClinVar aggregate classification (germline): Uncertain significance (1 of 4 stars; one submission).

Allele frequency attached by ClinVar (database versions not stated): gnomAD exomes below 0.00001.
gnomAD v4.1: 2 of 1,614,268 alleles (0.00012%); highest among the groups gnomAD compares: South Asian, 0.0011%; no homozygotes.

Submission:

Labcorp Genetics (formerly Invitae), Labcorp
Classification: Uncertain significance. Last evaluated: 2022-07-26. Review status: criteria provided, single submitter. Criteria: Invitae Variant Classification Sherloc (09022015). Collection method: clinical testing. Allele origin: germline.
Comment: In summary, the available evidence is currently insufficient to determine the role of this variant in disease. Therefore, it has been classified as a Variant of Uncertain Significance. Algorithms developed to predict the effect of sequence changes on RNA splicing suggest that this variant may disrupt the consensus splice site. Algorithms developed to predict the effect of missense changes on protein structure and function are either unavailable or do not agree on the potential impact of this missense change (SIFT: "Deleterious"; PolyPhen-2: "Possibly Damaging"; Align-GVGD: "Class C0"). ClinVar contains an entry for this variant (Variation ID: 1362123). This variant has not been reported in the literature in individuals affected with RUSC2-related conditions. This variant is not present in population databases (gnomAD no frequency). This sequence change replaces proline, which is neutral and non-polar, with glutamine, which is neutral and polar, at codon 805 of the RUSC2 protein (p.Pro805Gln).